The following is an entry in ClinVar:

ClinVar aggregate classification (germline): Uncertain significance (1 of 4 stars; one submission).

Conditions:
Bardet-Biedl syndrome (BBS). Identifiers: Orphanet 110, MedGen C0752166, MONDO:0015229.

Allele frequency attached by ClinVar (database versions not stated): gnomAD exomes below 0.00001; ExAC 0.00001.
gnomAD v4.1: 1 of 1,613,450 alleles (0.000062%); highest among the groups gnomAD compares: Admixed American, 0.0017%; no homozygotes.

Submission:

Labcorp Genetics (formerly Invitae), Labcorp
Classification: Uncertain significance for Bardet-Biedl syndrome. Last evaluated: 2024-04-16. Review status: criteria provided, single submitter. Criteria: Invitae Variant Classification Sherloc (09022015). Collection method: clinical testing. Allele origin: germline.
Comment: This sequence change replaces valine, which is neutral and non-polar, with glycine, which is neutral and non-polar, at codon 247 of the BBS5 protein (p.Val247Gly). This variant is present in population databases (rs765652274, gnomAD 0.003%). This variant has not been reported in the literature in individuals affected with BBS5-related conditions. ClinVar contains an entry for this variant (Variation ID: 2182659). Advanced modeling of protein sequence and biophysical properties (such as structural, functional, and spatial information, amino acid conservation, physicochemical variation, residue mobility, and thermodynamic stability) performed at Invitae indicates that this missense variant is not expected to disrupt BBS5 protein function with a negative predictive value of 80%. Algorithms developed to predict the effect of sequence changes on RNA splicing suggest that this variant may disrupt the consensus splice site. In summary, the available evidence is currently insufficient to determine the role of this variant in disease. Therefore, it has been classified as a Variant of Uncertain Significance.

NM_152384.3(BBS5):c.740T>G (p.Val247Gly)

Gene: BBS5 (Bardet-Biedl syndrome 5; plus strand). Cytogenetic location: 2q31.1.
Variant type: single nucleotide variant.
Coding change: c.740T>G on transcript NM_152384.3 (MANE Select); coding-DNA position 740, T replaced by G.
Protein change: p.Val247Gly; replaces valine 247 with glycine.
Molecular consequence: missense variant.
Genome position (GRCh38, 1-based): chr2:169,499,544, T>G. VCF-style: chr2-169499544-T-G. GRCh37 (hg19) VCF-style: chr2-170356054-T-G.
Other names: short protein forms V247G.
Identifiers: ClinVar variation 2182659 (VCV002182659.4), dbSNP rs765652274, ClinGen allele CA1956307.